The following is an entry in ClinVar:

NM_001379500.1(COL18A1):c.1630G>A (p.Gly544Arg)

Gene: COL18A1 (collagen type XVIII alpha 1 chain; plus strand). Cytogenetic location: 21q22.3.
Variant type: single nucleotide variant.
Coding change: c.1630G>A on transcript NM_001379500.1 (MANE Select); coding-DNA position 1630, G replaced by A.
Protein change: p.Gly544Arg; replaces glycine 544 with arginine.
Molecular consequence: missense variant.
Genome position (GRCh38, 1-based): chr21:45,481,981, G>A. VCF-style: chr21-45481981-G-A. GRCh37 (hg19) VCF-style: chr21-46901895-G-A.
Other names: c.2170G>A, p.Gly724Arg (NM_030582.4); c.2875G>A, p.Gly959Arg (NM_130444.3); short protein forms G959R, G724R, G544R.
Identifiers: ClinVar variation 2185440 (VCV002185440.3), dbSNP rs2517633410, ClinGen allele CA410518617.

ClinVar aggregate classification (germline): Uncertain significance (1 of 4 stars; one submission).

Submission:

Labcorp Genetics (formerly Invitae), Labcorp
Classification: Uncertain significance. Last evaluated: 2024-01-24. Review status: criteria provided, single submitter. Criteria: Invitae Variant Classification Sherloc (09022015). Collection method: clinical testing. Allele origin: germline.
Comment: This sequence change replaces glycine, which is neutral and non-polar, with arginine, which is basic and polar, at codon 544 of the COL18A1 protein (p.Gly544Arg). This variant is not present in population databases (gnomAD no frequency). This variant has not been reported in the literature in individuals affected with COL18A1-related conditions. ClinVar contains an entry for this variant (Variation ID: 2185440). Experimental studies and prediction algorithms are not available or were not evaluated, and the functional significance of this variant is currently unknown. In summary, the available evidence is currently insufficient to determine the role of this variant in disease. Therefore, it has been classified as a Variant of Uncertain Significance.